The following is an entry in ClinVar:

NM_032043.3(BRIP1):c.772C>T (p.Gln258Ter)

Gene: BRIP1 (BRCA1 interacting DNA helicase 1; minus strand). Cytogenetic location: 17q23.2.
Variant type: single nucleotide variant.
Coding change: c.772C>T on transcript NM_032043.3 (MANE Select); coding-DNA position 772, C replaced by T.
Protein change: p.Gln258Ter; replaces glutamine 258 with a stop codon.
Molecular consequence: nonsense.
Genome position (GRCh38, 1-based): chr17:61,808,613, G>A on the plus strand (C>T on the coding strand, the complement: BRIP1 is on the minus strand). VCF-style: chr17-61808613-G-A. GRCh37 (hg19) VCF-style: chr17-59885974-G-A.
Other names: short protein forms Q258*.
Identifiers: ClinVar variation 842289 (VCV000842289.12), dbSNP rs1555609257, ClinGen allele CA400484940.

ClinVar aggregate classification (germline): Pathogenic. Review status: criteria provided, multiple submitters, no conflicts (2 of 4 stars). 3 submissions from 3 submitters: Pathogenic (3). Last evaluated 2024-12-24.

Conditions:
Familial cancer of breast. Also called: hereditary breast carcinoma; BREAST CANCER, FAMILIAL; Hereditary breast cancer. Identifiers: Orphanet 227535, MedGen C0346153, MONDO:0016419, OMIM 114480. Disease mechanism: loss of function.
Fanconi anemia complementation group J. Also called: BRIP1-Related Fanconi Anemia. Identifiers: Orphanet 84, MedGen C1836860, MONDO:0012187, OMIM 609054.
Hereditary cancer-predisposing syndrome. Also called: Neoplastic Syndromes, Hereditary; Hereditary neoplastic syndrome; Tumor predisposition; Hereditary Cancer Syndrome. Identifiers: Orphanet 140162, MedGen C0027672, MeSH D009386, MONDO:0015356.

Submissions (3):

Labcorp Genetics (formerly Invitae), Labcorp
Classification: Pathogenic for Familial cancer of breast; Fanconi anemia complementation group J. Last evaluated: 2024-12-24. Review status: criteria provided, single submitter. Criteria: Invitae Variant Classification Sherloc (09022015). Collection method: clinical testing. Allele origin: germline.
Comment: This sequence change creates a premature translational stop signal (p.Gln258*) in the BRIP1 gene. It is expected to result in an absent or disrupted protein product. Loss-of-function variants in BRIP1 are known to be pathogenic (PMID: 16116423, 17033622, 21964575). This variant is not present in population databases (gnomAD no frequency). This variant has not been reported in the literature in individuals affected with BRIP1-related conditions. ClinVar contains an entry for this variant (Variation ID: 842289). For these reasons, this variant has been classified as Pathogenic.

Myriad Genetics, Inc.
Classification: Pathogenic for Familial cancer of breast. Last evaluated: 2023-05-31. Review status: criteria provided, single submitter. Criteria: Myriad Autosomal Dominant, Autosomal Recessive and X-Linked Classification Criteria (2023). Collection method: clinical testing. Allele origin: unknown.
Comment: This variant is considered pathogenic. This variant creates a termination codon and is predicted to result in premature protein truncation.

Ambry Genetics
Classification: Pathogenic for Hereditary cancer-predisposing syndrome. Last evaluated: 2023-04-17. Review status: criteria provided, single submitter. Criteria: Ambry Variant Classification Scheme 2023. Collection method: clinical testing. Allele origin: germline.
Comment: The p.Q258* pathogenic mutation (also known as c.772C>T), located in coding exon 6 of the BRIP1 gene, results from a C to T substitution at nucleotide position 772. This changes the amino acid from a glutamine to a stop codon within coding exon 6. This variant is considered to be rare based on population cohorts in the Genome Aggregation Database (gnomAD). This alteration is expected to result in loss of function by premature protein truncation or nonsense-mediated mRNA decay. As such, this alteration is interpreted as a disease-causing mutation.

Literature cited by the submitters: PubMed 16116423 (cited by Labcorp Genetics (formerly Invitae), Labcorp); PubMed 17033622 (cited by Labcorp Genetics (formerly Invitae), Labcorp); PubMed 21964575 (cited by Labcorp Genetics (formerly Invitae), Labcorp).